The following is an entry in ClinVar:

ClinVar aggregate classification (germline): Uncertain significance (1 of 4 stars; one submission).

Conditions:
Fanconi anemia complementation group O. Also called: RAD51C-Related Fanconi Anemia. Identifiers: Orphanet 84, MedGen C3150653, MONDO:0013248, OMIM 613390.

Submission:

Labcorp Genetics (formerly Invitae), Labcorp
Classification: Uncertain significance for Fanconi anemia complementation group O. Last evaluated: 2020-11-04. Review status: criteria provided, single submitter. Criteria: Invitae Variant Classification Sherloc (09022015). Collection method: clinical testing. Allele origin: germline.
Comment: In summary, the available evidence is currently insufficient to determine the role of this variant in disease. Therefore, it has been classified as a Variant of Uncertain Significance. Algorithms developed to predict the effect of missense changes on protein structure and function (SIFT, PolyPhen-2, Align-GVGD) all suggest that this variant is likely to be tolerated, but these predictions have not been confirmed by published functional studies and their clinical significance is uncertain. This variant has not been reported in the literature in individuals with RAD51C-related conditions. This variant is not present in population databases (ExAC no frequency). This sequence change replaces lysine with arginine at codon 84 of the RAD51C protein (p.Lys84Arg). The lysine residue is moderately conserved and there is a small physicochemical difference between lysine and arginine.

NM_058216.3(RAD51C):c.251A>G (p.Lys84Arg)

Gene: RAD51C (RAD51 paralog C; plus strand). Cytogenetic location: 17q22.
Variant type: single nucleotide variant.
Coding change: c.251A>G on transcript NM_058216.3 (MANE Select); coding-DNA position 251, A replaced by G.
Protein change: p.Lys84Arg; replaces lysine 84 with arginine.
Molecular consequence: missense variant. On other transcripts: non-coding transcript variant (2).
Genome position (GRCh38, 1-based): chr17:58,695,036, A>G. VCF-style: chr17-58695036-A-G. GRCh37 (hg19) VCF-style: chr17-56772397-A-G.
Other names: c.251A>G, p.Lys84Arg (NM_002876.4); short protein forms K84R.
Identifiers: ClinVar variation 1386523 (VCV001386523.8), dbSNP rs1372016419, ClinGen allele CA400340413.